The following is an entry in ClinVar:

NM_001378454.1(ALMS1):c.6077A>G (p.Lys2026Arg)

Gene: ALMS1 (ALMS1 centrosome and basal body associated protein; plus strand). Cytogenetic location: 2p13.1.
Variant type: single nucleotide variant.
Coding change: c.6077A>G on transcript NM_001378454.1 (MANE Select); coding-DNA position 6077, A replaced by G.
Protein change: p.Lys2026Arg; replaces lysine 2026 with arginine.
Molecular consequence: missense variant.
Genome position (GRCh38, 1-based): chr2:73,452,604, A>G. VCF-style: chr2-73452604-A-G. GRCh37 (hg19) VCF-style: chr2-73679731-A-G.
Other names: c.6080A>G, p.Lys2027Arg (NM_015120.4); short protein forms K2026R, K2027R.
Identifiers: ClinVar variation 1497532 (VCV001497532.6), dbSNP rs367904732, ClinGen allele CA1713997.

ClinVar aggregate classification (germline): Conflicting classifications of pathogenicity. Review status: criteria provided, conflicting classifications (1 of 4 stars). 2 submissions from 2 submitters: Uncertain significance (1); Likely benign (1). Last evaluated 2025-08-04.

Conditions:
Alstrom syndrome (ALMS). Identifiers: Orphanet 64, MedGen C0268425, MONDO:0008763, OMIM 203800.
Cardiovascular phenotype. Identifiers: MedGen CN230736.

Allele frequency attached by ClinVar (database versions not stated): gnomAD exomes below 0.00001 and 0.00001; ExAC 0.00001; gnomAD 0.00001; TOPMed 0.00002; ESP Exome Variant Server 0.00008.
gnomAD v4.1: 11 of 1,614,004 alleles (0.00068%); highest among the groups gnomAD compares: East Asian, 0.0022%; no homozygotes.

Submissions (2):

Ambry Genetics
Classification: Likely benign for Cardiovascular phenotype. Last evaluated: 2025-08-04. Review status: criteria provided, single submitter. Criteria: Ambry Variant Classification Scheme 2023. Collection method: clinical testing. Allele origin: germline.

Labcorp Genetics (formerly Invitae), Labcorp
Classification: Uncertain significance for Alstrom syndrome. Last evaluated: 2022-08-05. Review status: criteria provided, single submitter. Criteria: Invitae Variant Classification Sherloc (09022015). Collection method: clinical testing. Allele origin: germline.
Comment: This sequence change replaces lysine, which is basic and polar, with arginine, which is basic and polar, at codon 2027 of the ALMS1 protein (p.Lys2027Arg). This variant is present in population databases (rs367904732, gnomAD 0.005%). This variant has not been reported in the literature in individuals affected with ALMS1-related conditions. ClinVar contains an entry for this variant (Variation ID: 1497532). Experimental studies and prediction algorithms are not available or were not evaluated, and the functional significance of this variant is currently unknown. In summary, the available evidence is currently insufficient to determine the role of this variant in disease. Therefore, it has been classified as a Variant of Uncertain Significance.